The following is an entry in ClinVar:

NM_015271.5(TRIM2):c.673G>T (p.Ala225Ser)

Gene: TRIM2 (tripartite motif containing 2; plus strand). Cytogenetic location: 4q31.3.
Variant type: single nucleotide variant.
Coding change: c.673G>T on transcript NM_015271.5 (MANE Select); coding-DNA position 673, G replaced by T.
Protein change: p.Ala225Ser; replaces alanine 225 with serine.
Molecular consequence: missense variant. On other transcripts: intron variant (2).
Genome position (GRCh38, 1-based): chr4:153,294,372, G>T. VCF-style: chr4-153294372-G-T. GRCh37 (hg19) VCF-style: chr4-154215524-G-T.
Other names: c.673G>T (NM_015271.3); c.592G>T, p.Ala198Ser (NM_001130067.2, NM_001351056.2, NM_001375512.1 and 5 more transcripts); c.646G>T, p.Ala216Ser (NM_001351054.2); c.643G>T, p.Ala215Ser (NM_001351055.2); c.217G>T, p.Ala73Ser (NM_001351057.2); c.766G>T, p.Ala256Ser (NM_001375488.1); c.763G>T, p.Ala255Ser (NM_001375489.1); c.673G>T, p.Ala225Ser (NM_001375490.1); and 4 more; short protein forms A112S, A198S, A216S, A225S, A215S, A224S, A255S, A256S.
Identifiers: ClinVar variation 843982 (VCV000843982.18), dbSNP rs775717184, ClinGen allele CA3108607.
Genomic context (GRCh38, chr4:153,294,372, plus strand): 5'-GAAATAGATTCTGCTCTTCAGTTCATCTCTGAAATCATTCATCAGTTAACCAACCAAAAG[G>T]CCAGCATCGTGGATGACATTCATTCCACCTTTGATGAGCTCCAGAAGACTTTAAATGTGC-3'
Protein context (NP_056086.2, residues 215-235): EIIHQLTNQK[Ala225Ser]SIVDDIHSTF

ClinVar aggregate classification (germline): Uncertain significance. Review status: criteria provided, multiple submitters, no conflicts (2 of 4 stars). 4 submissions from 4 submitters: Uncertain significance (4). Last evaluated 2025-08-11.

Conditions:
Charcot-Marie-Tooth disease type 2R. Also called: CHARCOT-MARIE-TOOTH DISEASE, AXONAL, AUTOSOMAL RECESSIVE, TYPE 2R; Charcot-Marie-Tooth disease, axonal, type 2R; CHARCOT-MARIE-TOOTH NEUROPATHY, TYPE 2R. Identifiers: Orphanet 397968, MedGen C3809655, MONDO:0014208, OMIM 615490.

gnomAD v4.1: 22 of 1,613,962 alleles (0.0014%); highest among the groups gnomAD compares: Middle Eastern, 0.033%; no homozygotes.

Submissions (4):

Ambry Genetics
Classification: Uncertain significance. Last evaluated: 2025-08-11. Review status: criteria provided, single submitter. Criteria: Ambry Variant Classification Scheme 2023. Collection method: clinical testing. Allele origin: germline.

GeneDx
Classification: Uncertain significance. Last evaluated: 2023-06-20. Review status: criteria provided, single submitter. Criteria: GeneDx Variant Classification Process June 2021. Collection method: clinical testing. Allele origin: germline. Affected: yes.
Comment: Not observed at significant frequency in large population cohorts (gnomAD); In silico analysis supports that this missense variant does not alter protein structure/function; Has not been previously published as pathogenic or benign to our knowledge

Labcorp Genetics (formerly Invitae), Labcorp
Classification: Uncertain significance for Charcot-Marie-Tooth disease type 2R. Last evaluated: 2022-06-27. Review status: criteria provided, single submitter. Criteria: Invitae Variant Classification Sherloc (09022015). Collection method: clinical testing. Allele origin: germline.
Comment: In summary, the available evidence is currently insufficient to determine the role of this variant in disease. Therefore, it has been classified as a Variant of Uncertain Significance. Algorithms developed to predict the effect of missense changes on protein structure and function (SIFT, PolyPhen-2, Align-GVGD) all suggest that this variant is likely to be tolerated. ClinVar contains an entry for this variant (Variation ID: 843982). This variant has not been reported in the literature in individuals affected with TRIM2-related conditions. This variant is present in population databases (rs775717184, gnomAD 0.006%). This sequence change replaces alanine, which is neutral and non-polar, with serine, which is neutral and polar, at codon 198 of the TRIM2 protein (p.Ala198Ser).

Mayo Clinic Laboratories, Mayo Clinic
Classification: Uncertain significance. Last evaluated: 2019-08-05. Review status: criteria provided, single submitter. Criteria: ACMG Guidelines, 2015. Collection method: clinical testing. Allele origin: germline. Observed: 1 variant allele.